The following is an entry in ClinVar:

ClinVar aggregate classification (germline): Pathogenic (1 of 4 stars; one submission).

Submission:

Labcorp Genetics (formerly Invitae), Labcorp
Classification: Pathogenic. Last evaluated: 2023-10-22. Review status: criteria provided, single submitter. Criteria: Invitae Variant Classification Sherloc (09022015). Collection method: clinical testing. Allele origin: germline.
Comment: This sequence change creates a premature translational stop signal (p.Lys566Ilefs*31) in the TG gene. It is expected to result in an absent or disrupted protein product. Loss-of-function variants in TG are known to be pathogenic (PMID: 19837936, 23164529). This variant is not present in population databases (gnomAD no frequency). This variant has not been reported in the literature in individuals affected with TG-related conditions. For these reasons, this variant has been classified as Pathogenic.

Literature cited by the submitters: PubMed 19837936; PubMed 23164529.

NM_003235.5(TG):c.1695_1696del (p.Lys566fs)

Gene: TG (thyroglobulin; plus strand). Cytogenetic location: 8q24.22.
Variant type: Deletion.
Coding change: c.1695_1696del on transcript NM_003235.5 (MANE Select); coding-DNA positions 1695 to 1696, 2 bases deleted (CA; older notation c.1695_1696delCA).
Protein change: p.Lys566fs; shifts the reading frame from lysine 566.
Molecular consequence: frameshift variant.
Genome position (GRCh38, 1-based): chr8:132,887,067-132,887,068, CA deleted. VCF-style (leftmost placement, unchanged base first): chr8-132887066-TCA-T. GRCh37 (hg19) VCF-style: chr8-133899311-TCA-T.
Other names: short protein forms K566fs.
Identifiers: ClinVar variation 2788038 (VCV002788038.3), dbSNP rs2489821623, ClinGen allele CA2739268988.
Genomic context (GRCh38, chr8:132,887,066, plus strand): 5'-ATAAGCCAACTGTGGGCAGCTTTGGCTTTGAAATTAACCTACAAGAGAACCAAAATGCCC[TCA>T]AATTCCTTGCTTCTCTCCTGGAGCTTCCAGAATTCCTTCTCTTCTTGCAACATGCTATCT-3'